The following is an entry in ClinVar:

ClinVar aggregate classification (germline): Likely benign. Review status: criteria provided, multiple submitters, no conflicts (2 of 4 stars). 3 submissions from 3 submitters: Likely benign (3). Last evaluated 2026-08-01.

Conditions:
RMND1-related disorder. Also called: RMND1-related condition.

Allele frequency attached by ClinVar (database versions not stated): TOPMed 0.00002; ESP Exome Variant Server 0.00008; gnomAD 0.00008; gnomAD exomes 0.00011; ExAC 0.00021.

Submissions (3):

CeGaT Center for Human Genetics Tuebingen
Classification: Likely benign. Last evaluated: 2026-08-01. Review status: criteria provided, single submitter. Criteria: CeGaT Center For Human Genetics Tuebingen Variant Classification Criteria Version 2. Collection method: clinical testing. Allele origin: germline. Affected: yes. Observed: 1 variant allele.
Comment: RMND1: BP4, BS2

PreventionGenetics, part of Exact Sciences
Classification: Likely benign for RMND1-related condition. Last evaluated: 2025-12-31. Review status: criteria provided, single submitter. Criteria: ACMG Guidelines, 2015. Collection method: clinical testing. Allele origin: germline.
Comment: This variant is classified as likely benign based on ACMG/AMP sequence variant interpretation guidelines (Richards et al. 2015 PMID: 25741868, with internal and published modifications).

Labcorp Genetics (formerly Invitae), Labcorp
Classification: Likely benign. Last evaluated: 2023-10-05. Review status: criteria provided, single submitter. Criteria: Invitae Variant Classification Sherloc (09022015). Collection method: clinical testing. Allele origin: germline.

NM_017909.4(RMND1):c.937+8del

Gene: RMND1 (required for meiotic nuclear division 1 homolog; minus strand). Cytogenetic location: 6q25.1.
Variant type: Deletion.
Coding change: c.937+8del on transcript NM_017909.4 (MANE Select); 8 bases into the intron after coding-DNA position 937, one base deleted (A; older notation c.937+8delA).
Molecular consequence: intron variant.
Genome position (GRCh38, 1-based): chr6:151,423,517, T deleted on the plus strand (A on the coding strand, the reverse complement: RMND1 is on the minus strand). VCF-style (leftmost placement, unchanged base first): chr6-151423516-GT-G. GRCh37 (hg19) VCF-style: chr6-151744651-GT-G.
Other names: c.427+8del (NM_001271937.2); c.937+8delA (NM_017909.3).
Identifiers: ClinVar variation 2912437 (VCV002912437.5), dbSNP rs751267106, ClinGen allele CA4050870.
Genomic context (GRCh38, chr6:151,423,516, plus strand): 5'-TGACTATTTAAACTTCCCTCAGTGAAATGACAACTGTAGTACCCTATCCCATAAGCAGTA[GT>G]AACTTACCAGAAAGGCATAGAGCATTGGAGAAAGCAAACTTCTCTAGAATGGCATCATCT-3'